The following is an entry in ClinVar:

NM_001304438.2(TMEM132E):c.2943C>T (p.Ser981=)

Gene: TMEM132E (transmembrane protein 132E; plus strand). Cytogenetic location: 17q12.
Variant type: single nucleotide variant.
Coding change: c.2943C>T on transcript NM_001304438.2 (MANE Select); coding-DNA position 2943, C replaced by T.
Protein change: p.Ser981=; no amino-acid change (serine 981 retained).
Molecular consequence: synonymous variant.
Genome position (GRCh38, 1-based): chr17:34,637,950, C>T. VCF-style: chr17-34637950-C-T. GRCh37 (hg19) VCF-style: chr17-32964969-C-T.
Other names: c.2943C>T (NM_001304438.1).
Identifiers: ClinVar variation 1539694 (VCV001539694.33), dbSNP rs375307089, ClinGen allele CA8497061.

ClinVar aggregate classification (germline): Benign/Likely benign. Review status: criteria provided, multiple submitters, no conflicts (2 of 4 stars). 4 submissions from 4 submitters: Benign (1); Likely benign (2). 1 of the submissions does not count toward it. Last evaluated 2025-10-26.

Conditions:
TMEM132E-related disorder. Also called: TMEM132E-related condition.

Allele frequency attached by ClinVar (database versions not stated): gnomAD exomes 0.00219; gnomAD 0.00223 and 0.00211; 1000 Genomes Project 0.00020; 1000 Genomes Project 30x 0.00047; ESP Exome Variant Server 0.00103; ExAC 0.00281.
gnomAD v4.1: 4,153 of 1,606,060 alleles (0.26%); highest among the groups gnomAD compares: Non-Finnish European, 0.29%; 5 homozygotes.

Submissions (4):

Labcorp Genetics (formerly Invitae), Labcorp
Classification: Benign. Last evaluated: 2025-10-26. Review status: criteria provided, single submitter. Criteria: Invitae Variant Classification Sherloc (09022015). Collection method: clinical testing. Allele origin: germline.

Blueprint Genetics
Classification: Likely benign. Last evaluated: 2024-11-08. Review status: criteria provided, single submitter. Criteria: ACMG Guidelines, 2015. Collection method: clinical testing. Allele origin: germline.

CeGaT Center for Human Genetics Tuebingen
Classification: Likely benign. Last evaluated: 2022-04-01. Review status: criteria provided, single submitter. Criteria: CeGaT Center For Human Genetics Tuebingen Variant Classification Criteria Version 2. Collection method: clinical testing. Allele origin: germline. Affected: yes. Observed: 1 variant allele.
Comment: TMEM132E: BP4, BP7

PreventionGenetics, part of Exact Sciences
Classification: Benign for TMEM132E-related condition. Last evaluated: 2020-12-02. Review status: no assertion criteria provided. Collection method: clinical testing. Allele origin: germline. Not counted in ClinVar's aggregate classification.
Comment: This variant is classified as benign based on ACMG/AMP sequence variant interpretation guidelines (Richards et al. 2015 PMID: 25741868, with internal and published modifications).